The following is an entry in ClinVar:

NM_004698.4(PRPF3):c.729-15C>T

Gene: PRPF3 (pre-mRNA processing factor 3; plus strand). Cytogenetic location: 1q21.2.
Variant type: single nucleotide variant.
Coding change: c.729-15C>T on transcript NM_004698.4 (MANE Select); 15 bases into the intron before coding-DNA position 729, C replaced by T.
Molecular consequence: intron variant.
Genome position (GRCh38, 1-based): chr1:150,334,920, C>T. VCF-style: chr1-150334920-C-T. GRCh37 (hg19) VCF-style: chr1-150307391-C-T.
Other names: c.324-15C>T (NM_001350529.1).
Identifiers: ClinVar variation 292497 (VCV000292497.13), dbSNP rs587746193, ClinGen allele CA1075489.
Genomic context (GRCh38, chr1:150,334,920, plus strand): 5'-CGCCTGGCTTTATTTTGTTTTTTGCTTGCCTTAATGTTCCATACAGGATTTATTTCTTTG[C>T]GGGCTATTTTTCAGGAAGGTGGAGTTAAAAGACCAAACGAAACCTACACCACTGATCCTG-3'

ClinVar aggregate classification (germline): Benign/Likely benign. Review status: criteria provided, multiple submitters, no conflicts (2 of 4 stars). 3 submissions from 3 submitters: Benign (2); Likely benign (1). Last evaluated 2025-07-23.

Conditions:
Retinitis pigmentosa (RP). Identifiers: Orphanet 791, MedGen C0035334, MeSH D012174, MONDO:0019200, OMIM 268000. Inheritance: Autosomal dominant, autosomal recessive and X linked inheritance.

Allele frequency attached by ClinVar (database versions not stated): gnomAD 0.00001; TOPMed 0.00002; 1000 Genomes Project 30x 0.00047; 1000 Genomes Project 0.00060.
gnomAD v4.1: 304 of 1,613,548 alleles (0.019%); highest among the groups gnomAD compares: South Asian, 0.31%; 2 homozygotes.

Submissions (3):

Labcorp Genetics (formerly Invitae), Labcorp
Classification: Benign. Last evaluated: 2025-07-23. Review status: criteria provided, single submitter. Criteria: Invitae Variant Classification Sherloc (09022015). Collection method: clinical testing. Allele origin: germline.

Blueprint Genetics
Classification: Benign. Last evaluated: 2024-04-08. Review status: criteria provided, single submitter. Criteria: ACMG Guidelines, 2015. Collection method: clinical testing. Allele origin: germline.

Illumina Laboratory Services, Illumina
Classification: Likely benign for Retinitis pigmentosa. Last evaluated: 2018-01-12. Review status: criteria provided, single submitter. Criteria: ICSL Variant Classification Criteria 13 December 2019. Collection method: clinical testing. Allele origin: germline.
Comment: This variant was observed in the ICSL laboratory as part of a predisposition screen in an ostensibly healthy population. It had not been previously curated by ICSL or reported in the Human Gene Mutation Database (HGMD: prior to June 1st, 2018), and was therefore a candidate for classification through an automated scoring system. Utilizing variant allele frequency, disease prevalence and penetrance estimates, and inheritance mode, an automated score was calculated to assess if this variant is too frequent to cause the disease. Based on the score and internal cut-off values, a variant classified as likely benign is not then subjected to further curation. The score for this variant resulted in a classification of likely benign for this disease.